The following is an entry in ClinVar:

NM_016529.6(ATP8A2):c.1636A>T (p.Thr546Ser)

Gene: ATP8A2 (ATPase phospholipid transporting 8A2). Cytogenetic location: 13q12.13.
Variant type: single nucleotide variant.
Coding change: c.1636A>T on transcript NM_016529.6 (MANE Select); coding-DNA position 1636, A replaced by T.
Protein change: p.Thr546Ser; replaces threonine 546 with serine.
Molecular consequence: missense variant.
Genome position (GRCh38, 1-based): chr13:25,571,666, A>T. VCF-style: chr13-25571666-A-T. GRCh37 (hg19) VCF-style: chr13-26145804-A-T.
Other names: p.(Thr546Ser); c.1636A>T (NM_016529.4); c.1516A>T, p.Thr506Ser (NM_001313741.1); short protein forms T506S, T546S.
Identifiers: ClinVar variation 1350143 (VCV001350143.6), dbSNP rs2039470790, ClinGen allele CA387614361.
Genomic context (GRCh38, chr13:25,571,666, plus strand): 5'-ACAGATGAAGCTGCTTTGGTGAAAGGAGCTAAAAAGCTGGGCTTTGTCTTCACAGCCAGA[A>T]CACCATTCTCAGTCATCATAGAAGCGGTGAGTAACATGCGTGTGCACATTTCAGATCACC-3'
Protein context (NP_057613.4, residues 536-556): KKLGFVFTAR[Thr546Ser]PFSVIIEAMG

ClinVar aggregate classification (germline): Uncertain significance. Review status: criteria provided, multiple submitters, no conflicts (2 of 4 stars). 2 submissions from 2 submitters: Uncertain significance (2). Last evaluated 2022-09-27.

Conditions:
Inborn genetic diseases. Identifiers: MedGen C0950123, MeSH D030342.

Submissions (2):

Ambry Genetics
Classification: Uncertain significance for Inborn genetic diseases. Last evaluated: 2022-09-27. Review status: criteria provided, single submitter. Criteria: Ambry Variant Classification Scheme 2023. Collection method: clinical testing. Allele origin: germline.

Labcorp Genetics (formerly Invitae), Labcorp
Classification: Uncertain significance. Last evaluated: 2022-08-16. Review status: criteria provided, single submitter. Criteria: Invitae Variant Classification Sherloc (09022015). Collection method: clinical testing. Allele origin: germline.
Comment: This sequence change replaces threonine, which is neutral and polar, with serine, which is neutral and polar, at codon 546 of the ATP8A2 protein (p.Thr546Ser). This variant is not present in population databases (gnomAD no frequency). This variant has not been reported in the literature in individuals affected with ATP8A2-related conditions. ClinVar contains an entry for this variant (Variation ID: 1350143). Algorithms developed to predict the effect of missense changes on protein structure and function are either unavailable or do not agree on the potential impact of this missense change (SIFT: "Tolerated"; PolyPhen-2: "Possibly Damaging"; Align-GVGD: "Class C0"). In summary, the available evidence is currently insufficient to determine the role of this variant in disease. Therefore, it has been classified as a Variant of Uncertain Significance.